The following is an entry in ClinVar:

NM_144701.3(IL23R):c.610A>G (p.Met204Val)

Gene: IL23R (interleukin 23 receptor; plus strand). Cytogenetic location: 1p31.3.
Variant type: single nucleotide variant.
Coding change: c.610A>G on transcript NM_144701.3 (MANE Select); coding-DNA position 610, A replaced by G.
Protein change: p.Met204Val; replaces methionine 204 with valine.
Molecular consequence: missense variant.
Genome position (GRCh38, 1-based): chr1:67,200,855, A>G. VCF-style: chr1-67200855-A-G. GRCh37 (hg19) VCF-style: chr1-67666538-A-G.
Other names: short protein forms M204V.
Identifiers: ClinVar variation 4085571 (VCV004085571.8).

ClinVar aggregate classification (germline): Uncertain significance (1 of 4 stars; one submission).

Submission:

CeGaT Center for Human Genetics Tuebingen
Classification: Uncertain significance. Last evaluated: 2025-07-01. Review status: criteria provided, single submitter. Criteria: CeGaT Center For Human Genetics Tuebingen Variant Classification Criteria Version 2. Collection method: clinical testing. Allele origin: germline. Affected: yes. Observed: 1 variant allele.
Comment: IL23R: PM2, BP4